The following is an entry in ClinVar:

NM_018429.3(BDP1):c.5031G>C (p.Met1677Ile)

Gene: BDP1 (BDP1 general transcription factor IIIB subunit; plus strand). Cytogenetic location: 5q13.2.
Variant type: single nucleotide variant.
Coding change: c.5031G>C on transcript NM_018429.3 (MANE Select); coding-DNA position 5031, G replaced by C.
Protein change: p.Met1677Ile; replaces methionine 1677 with isoleucine.
Molecular consequence: missense variant.
Genome position (GRCh38, 1-based): chr5:71,522,328, G>C. VCF-style: chr5-71522328-G-C. GRCh37 (hg19) VCF-style: chr5-70818155-G-C.
Other names: short protein forms M1677I.
Identifiers: ClinVar variation 683304 (VCV000683304.6), dbSNP rs34327181, ClinGen allele CA3296839.
Genomic context (GRCh38, chr5:71,522,328, plus strand): 5'-ATGATTCATACTTCATTCTAGACATGAAAATAAACCGTATGTTCCTAGTTCAGCACAAAT[G>C]ACAAGAAGGAAATTCCAAAAGGCTAAGCCAAATTTGGGAAGAGCACACAGTAAGAAAGAG-3'
Protein context (NP_060899.2, residues 1667-1687): NKPYVPSSAQ[Met1677Ile]TRRKFQKAKP

ClinVar aggregate classification (germline): Benign/Likely benign. Review status: criteria provided, multiple submitters, no conflicts (2 of 4 stars). 4 submissions from 4 submitters: Benign (3); Likely benign (1). Last evaluated 2024-11-13.

Allele frequency attached by ClinVar (database versions not stated): gnomAD exomes 0.00035 and 0.00085; ExAC 0.00107; 1000 Genomes Project 30x 0.00203; 1000 Genomes Project 0.00220; gnomAD 0.00347 and 0.00381; TOPMed 0.00411; ESP Exome Variant Server 0.00454.

Submissions (4):

Blueprint Genetics
Classification: Likely benign. Last evaluated: 2024-11-13. Review status: criteria provided, single submitter. Criteria: ACMG Guidelines, 2015. Collection method: clinical testing. Allele origin: germline.

GeneDx
Classification: Benign. Last evaluated: 2018-06-08. Review status: criteria provided, single submitter. Criteria: GeneDx Variant Classification (06012015). Collection method: clinical testing. Allele origin: germline. Affected: yes.
Comment: This variant is considered likely benign or benign based on one or more of the following criteria: it is a conservative change, it occurs at a poorly conserved position in the protein, it is predicted to be benign by multiple in silico algorithms, and/or has population frequency not consistent with disease.

Labcorp Genetics (formerly Invitae), Labcorp
Classification: Benign. Last evaluated: 2018-01-02. Review status: criteria provided, single submitter. Criteria: Invitae Variant Classification Sherloc (09022015). Collection method: clinical testing. Allele origin: germline.

Breakthrough Genomics
Classification: Benign. Review status: criteria provided, single submitter. Criteria: ACMG Guidelines, 2015. Collection method: not provided. Allele origin: germline. Inheritance: Autosomal recessive inheritance. Affected: yes.